The following is an entry in ClinVar:

NM_139027.6(ADAMTS13):c.2158del (p.Glu720fs)

Gene: ADAMTS13 (ADAM metallopeptidase with thrombospondin type 1 motif 13; plus strand). Cytogenetic location: 9q34.2.
Variant type: Deletion.
Coding change: c.2158del on transcript NM_139027.6 (MANE Select); coding-DNA position 2158, one base deleted (G; older notation c.2158delG).
Protein change: p.Glu720fs; shifts the reading frame from glutamic acid 720.
Molecular consequence: frameshift variant.
Genome position (GRCh38, 1-based): chr9:133,442,667, G deleted; the last of 2 consecutive G bases (chr9:133,442,666-133,442,667); deleting either gives the same sequence. VCF-style (leftmost placement, unchanged base first): chr9-133442665-TG-T. GRCh37 (hg19) VCF-style: chr9-136307786-TG-T.
Other names: p.Glu720Argfs*58; c.2158delG, p.Glu720Argfs (NM_139025.4); c.2158del, p.Glu720fs (NM_139025.5); c.2065del, p.Glu689fs (NM_139026.6); short protein forms E689fs, E720fs.
Identifiers: ClinVar variation 4541505 (VCV004541505.1).
Genomic context (GRCh38, chr9:133,442,665, plus strand): 5'-CCCTCCCAGGGCTGCGCTGGGTAAACTACAGCTGCCTGGACCAGGCCAGGAAGGAGTTGG[TG>T]GAGACTGTCCAGTGCCAAGGGAGCCAGCAGCCACCAGCGTGGCCAGAGGCCTGCGTGCTC-3'

ClinVar aggregate classification (germline): Likely pathogenic (1 of 4 stars; one submission).

Submission:

Mayo Clinic Laboratories, Mayo Clinic
Classification: Likely pathogenic. Last evaluated: 2025-07-31. Review status: criteria provided, single submitter. Criteria: ACMG Guidelines, 2015. Collection method: clinical testing. Allele origin: germline. Observed: 1 variant allele.
Comment: PM2_supporting, PVS1